The following is an entry in ClinVar:

NM_000796.6(DRD3):c.51A>G (p.Ala17=)

Gene: DRD3 (dopamine receptor D3; minus strand). Cytogenetic location: 3q13.31.
Variant type: single nucleotide variant.
Coding change: c.51A>G on transcript NM_000796.6 (MANE Select); coding-DNA position 51, A replaced by G.
Protein change: p.Ala17=; no amino-acid change (alanine 17 retained).
Molecular consequence: synonymous variant.
Genome position (GRCh38, 1-based): chr3:114,171,942, T>C on the plus strand (A>G on the coding strand, the complement: DRD3 is on the minus strand). VCF-style: chr3-114171942-T-C. GRCh37 (hg19) VCF-style: chr3-113890789-T-C.
Other names: c.51A>G (NM_000796.5); c.51A>G, p.Ala17= (NM_001282563.2, NM_001290809.1, NM_033663.6).
Identifiers: ClinVar variation 342603 (VCV000342603.8), dbSNP rs3732783, ClinGen allele CA2550709.

ClinVar aggregate classification (germline): Benign. Review status: criteria provided, multiple submitters, no conflicts (2 of 4 stars). 3 submissions from 3 submitters: Benign (2). 1 of the submissions does not count toward it. Last evaluated 2018-01-12.

Conditions:
DRD3-related disorder. Also called: DRD3-related condition.
Tremor, hereditary essential, 1 (ETM1). Also called: Familial essential tremor. Identifiers: MedGen C1860861, MONDO:0008590, OMIM 190300.

Allele frequency attached by ClinVar (database versions not stated): gnomAD exomes 0.06522 and 0.08875; ESP Exome Variant Server 0.07358; TOPMed 0.08322; gnomAD 0.08464 and 0.08567; 1000 Genomes Project 30x 0.09572; 1000 Genomes Project 0.09784; ExAC 0.10357.
gnomAD v4.1: 106,289 of 1,579,198 alleles (6.7%); highest among the groups gnomAD compares: South Asian, 14%; 4,314 homozygotes.

Submissions (3):

Illumina Laboratory Services, Illumina
Classification: Benign for Tremor, hereditary essential, 1. Last evaluated: 2018-01-12. Review status: criteria provided, single submitter. Criteria: ICSL Variant Classification Criteria 13 December 2019. Collection method: clinical testing. Allele origin: germline.
Comment: This variant was observed in the ICSL laboratory as part of a predisposition screen in an ostensibly healthy population. It had not been previously curated by ICSL or reported in the Human Gene Mutation Database (HGMD: prior to June 1st, 2018), and was therefore a candidate for classification through an automated scoring system. Utilizing variant allele frequency, disease prevalence and penetrance estimates, and inheritance mode, an automated score was calculated to assess if this variant is too frequent to cause the disease. Based on the score and internal cut-off values, a variant classified as benign is not then subjected to further curation. The score for this variant resulted in a classification of benign for this disease.

Breakthrough Genomics
Classification: Benign. Review status: criteria provided, single submitter. Criteria: ACMG Guidelines, 2015. Collection method: not provided. Allele origin: germline. Inheritance: Autosomal dominant inheritance. Affected: yes.

PreventionGenetics, part of Exact Sciences
Classification: Benign for DRD3-related condition. Last evaluated: 2019-10-17. Review status: no assertion criteria provided. Collection method: clinical testing. Allele origin: germline. Not counted in ClinVar's aggregate classification.
Comment: This variant is classified as benign based on ACMG/AMP sequence variant interpretation guidelines (Richards et al. 2015 PMID: 25741868, with internal and published modifications).